The following is an entry in ClinVar:

NM_001655.5(ARCN1):c.1406A>C (p.Gln469Pro)

Gene: ARCN1 (archain 1; plus strand). Cytogenetic location: 11q23.3.
Variant type: single nucleotide variant.
Coding change: c.1406A>C on transcript NM_001655.5 (MANE Select); coding-DNA position 1406, A replaced by C.
Protein change: p.Gln469Pro; replaces glutamine 469 with proline.
Molecular consequence: missense variant. On other transcripts: non-coding transcript variant (2), intron variant (3).
Genome position (GRCh38, 1-based): chr11:118,597,871, A>C. VCF-style: chr11-118597871-A-C. GRCh37 (hg19) VCF-style: chr11-118468586-A-C.
Other names: c.1142A>C, p.Gln381Pro (NM_001142281.2); c.1469A>C, p.Gln490Pro (NM_001425073.1); c.1403A>C, p.Gln468Pro (NM_001425074.1); c.1349A>C, p.Gln450Pro (NM_001425075.1); c.1337A>C, p.Gln446Pro (NM_001425076.1); c.1241A>C, p.Gln414Pro (NM_001425077.1); c.962A>C, p.Gln321Pro (NM_001425080.1); c.1242-2754A>C (NM_001425078.1); and 2 more; short protein forms Q321P, Q381P, Q414P, Q446P, Q450P, Q468P, Q469P, Q490P.
Identifiers: ClinVar variation 3359623 (VCV003359623.1).
Genomic context (GRCh38, chr11:118,597,871, plus strand): 5'-ATAAGAGTGGCAGCCTGGAGTTTAGCATTGCTGGGCAGCCCAATGACTTCTTCCCTGTTC[A>C]AGTTTCCTTTGTCTCCAAGAAAAATTACTGTAACATACAGGTACTCCATTTTAGTTGAGA-3'
Protein context (NP_001646.2, residues 459-479): AGQPNDFFPV[Gln469Pro]VSFVSKKNYC

ClinVar aggregate classification (germline): Uncertain significance (1 of 4 stars; one submission).

Submission:

GeneDx
Classification: Uncertain significance. Last evaluated: 2023-06-09. Review status: criteria provided, single submitter. Criteria: GeneDx Variant Classification Process June 2021. Collection method: clinical testing. Allele origin: germline. Affected: yes.
Comment: Not observed at significant frequency in large population cohorts (gnomAD); In silico analysis supports that this missense variant does not alter protein structure/function; Has not been previously published as pathogenic or benign to our knowledge